The following is an entry in ClinVar:

ClinVar aggregate classification (germline): Conflicting classifications of pathogenicity. Review status: criteria provided, conflicting classifications (1 of 4 stars). 5 submissions from 5 submitters: Uncertain significance (3); Likely benign (2). Last evaluated 2026-02-02.

Conditions:
ABCC2-related disorder. Also called: ABCC2-related condition.
Dubin-Johnson syndrome (DJS). Also called: HYPERBILIRUBINEMIA, DUBIN-JOHNSON TYPE; Hyperbilirubinemia type 2; Jaundice, Chronic Idiopathic. Identifiers: Orphanet 234, MedGen C0022350, MONDO:0009380, OMIM 237500.

Allele frequency attached by ClinVar (database versions not stated): gnomAD exomes 0.00006 and 0.00017; ExAC 0.00020; gnomAD 0.00051 and 0.00057; TOPMed 0.00058; ESP Exome Variant Server 0.00085.
gnomAD v4.1: 179 of 1,614,066 alleles (0.011%); highest among the groups gnomAD compares: African/African-American, 0.15%; 1 homozygote.

Submissions (5):

Labcorp Genetics (formerly Invitae), Labcorp
Classification: Likely benign. Last evaluated: 2026-02-02. Review status: criteria provided, single submitter. Criteria: Invitae Variant Classification Sherloc (09022015). Collection method: clinical testing. Allele origin: germline.

PreventionGenetics, part of Exact Sciences
Classification: Likely benign for ABCC2-related condition. Last evaluated: 2024-11-08. Review status: criteria provided, single submitter. Criteria: ACMG Guidelines, 2015. Collection method: clinical testing. Allele origin: germline.
Comment: This variant is classified as likely benign based on ACMG/AMP sequence variant interpretation guidelines (Richards et al. 2015 PMID: 25741868, with internal and published modifications).

Mayo Clinic Laboratories, Mayo Clinic
Classification: Uncertain significance. Last evaluated: 2023-08-08. Review status: criteria provided, single submitter. Criteria: ACMG Guidelines, 2015. Collection method: clinical testing. Allele origin: germline. Observed: 1 variant allele.
Comment: BS1, PP3

Fulgent Genetics
Classification: Uncertain significance for Dubin-Johnson syndrome. Last evaluated: 2021-12-02. Review status: criteria provided, single submitter. Criteria: ACMG Guidelines, 2015. Collection method: clinical testing. Allele origin: unknown.

Eurofins Ntd Llc (ga)
Classification: Uncertain significance. Last evaluated: 2017-03-15. Review status: criteria provided, single submitter. Criteria: EGL Classification Definitions 2015. Collection method: clinical testing. Allele origin: germline. Observed: 1 variant allele, 1 heterozygote.

Literature cited by the submitters: PubMed 11901087 (cited by Mayo Clinic Laboratories, Mayo Clinic); PubMed 16766035 (cited by Mayo Clinic Laboratories, Mayo Clinic); PubMed 22290738 (cited by Mayo Clinic Laboratories, Mayo Clinic); PubMed 33713692 (cited by Mayo Clinic Laboratories, Mayo Clinic); PubMed 35477852 (cited by Mayo Clinic Laboratories, Mayo Clinic).

NM_000392.5(ABCC2):c.3521G>A (p.Arg1174His)

Gene: ABCC2 (ATP binding cassette subfamily C member 2; plus strand). Cytogenetic location: 10q24.2.
Variant type: single nucleotide variant.
Coding change: c.3521G>A on transcript NM_000392.5 (MANE Select); coding-DNA position 3521, G replaced by A.
Protein change: p.Arg1174His; replaces arginine 1174 with histidine.
Molecular consequence: missense variant.
Genome position (GRCh38, 1-based): chr10:99,836,197, G>A. VCF-style: chr10-99836197-G-A. GRCh37 (hg19) VCF-style: chr10-101595954-G-A.
Other names: p.Arg1174His; c.3521G>A (NM_000392.4); c.3521G>A, p.Arg1174His (LRG_1208t1); short protein forms R1174H.
Identifiers: ClinVar variation 500796 (VCV000500796.11), dbSNP rs139188247, ClinGen allele CA5643835.